The following is an entry in ClinVar:

NM_000202.8(IDS):c.1030G>T (p.Glu344Ter)

Genes: IDS (iduronate 2-sulfatase; minus strand), LOC106050102 (IDS recombination region; plus strand). Cytogenetic location: Xq28.
Variant type: single nucleotide variant.
Coding change: c.1030G>T on transcript NM_000202.8 (MANE Select); coding-DNA position 1030, G replaced by T.
Protein change: p.Glu344Ter; replaces glutamic acid 344 with a stop codon.
Molecular consequence: nonsense.
Genome position (GRCh38, 1-based): chrX:149,487,075, C>A on the plus strand (G>T on the coding strand, the complement: IDS is on the minus strand). VCF-style: chrX-149487075-C-A. GRCh37 (hg19) VCF-style: chrX-148568606-C-A.
Other names: c.760G>T, p.Glu254Ter (NM_001166550.4); short protein forms E254*, E344*.
Identifiers: ClinVar variation 3255931 (VCV003255931.2).
Genomic context (GRCh38, chrX:149,487,075, plus strand): 5'-GAACATAGAATATCAGGGGAACATGGGTAGCAACATCAAAATTGCTGTATTTGGCCCATT[C>A]TCCATGTTCACCTAGAGCCCACCCTAGTTCATAAAAAGCACAGAATGACAGAAAATGAAT-3'

ClinVar aggregate classification (germline): Pathogenic (1 of 4 stars; one submission).

Conditions:
Mucopolysaccharidosis, MPS-II (MPS2). Also called: Hunter Syndrome; IDURONATE 2-SULFATASE DEFICIENCY; Mucopolysaccharidosis Type II; Mucopolysaccharidosis type 2; Attenuated MPS (subtype; formerly known as mild MPS II); Severe MPS II. Identifiers: Orphanet 580, Orphanet 79388, MedGen C0026705, MONDO:0010674, OMIM 309900.

Submission:

Laboratory of Diagnosis and Therapy of Lysosomal Disorders, University of Padova
Classification: Pathogenic for Mucopolysaccharidosis, MPS-II. Last evaluated: 2024-06-07. Review status: criteria provided, single submitter. Criteria: ACMG Guidelines, 2015. Collection method: literature only. Allele origin: germline. Affected: yes. Observed: 3 variant alleles.
Comment: Null variant (PVS1_VeryStrong), Absent from controls (or at low frequency) in gnomAD database (PM2_Moderate), Patient’s phenotype or family history highly specific for the disease (PP4_Moderate)

Classification method: ACMG Guidelines [PMID:25741868] with modifications

Literature cited by the submitters: PubMed 22622771; PubMed 34670126.